The following is an entry in ClinVar:

NM_004371.4(COPA):c.744T>A (p.His248Gln)

Gene: COPA (coat protein complex I subunit alpha; minus strand). Cytogenetic location: 1q23.2.
Variant type: single nucleotide variant.
Coding change: c.744T>A on transcript NM_004371.4 (MANE Select); coding-DNA position 744, T replaced by A.
Protein change: p.His248Gln; replaces histidine 248 with glutamine.
Molecular consequence: missense variant.
Genome position (GRCh38, 1-based): chr1:160,314,088, A>T on the plus strand (T>A on the coding strand, the complement: COPA is on the minus strand). VCF-style: chr1-160314088-A-T. GRCh37 (hg19) VCF-style: chr1-160283878-A-T.
Other names: c.744T>A, p.His248Gln (NM_001098398.2); short protein forms H248Q.
Identifiers: ClinVar variation 2708936 (VCV002708936.3), dbSNP rs2525411065, ClinGen allele CA343264388.

ClinVar aggregate classification (germline): Uncertain significance (1 of 4 stars; one submission).

Conditions:
Autoimmune interstitial lung disease-arthritis syndrome. Also called: Autoinflammation and autoimmunity, systemic, with immune dysregulation. Identifiers: Orphanet 444092, MedGen C5975714, MONDO:0014629.

Submission:

Labcorp Genetics (formerly Invitae), Labcorp
Classification: Uncertain significance for Autoimmune interstitial lung disease-arthritis syndrome. Last evaluated: 2024-01-11. Review status: criteria provided, single submitter. Criteria: Invitae Variant Classification Sherloc (09022015). Collection method: clinical testing. Allele origin: germline.
Comment: This sequence change replaces histidine, which is basic and polar, with glutamine, which is neutral and polar, at codon 248 of the COPA protein (p.His248Gln). This variant is not present in population databases (gnomAD no frequency). This variant has not been reported in the literature in individuals affected with COPA-related conditions. Advanced modeling of protein sequence and biophysical properties (such as structural, functional, and spatial information, amino acid conservation, physicochemical variation, residue mobility, and thermodynamic stability) performed at Invitae indicates that this missense variant is expected to disrupt COPA protein function with a positive predictive value of 80%. In summary, the available evidence is currently insufficient to determine the role of this variant in disease. Therefore, it has been classified as a Variant of Uncertain Significance.